The following is an entry in ClinVar:

NM_001042492.3(NF1):c.4391T>C (p.Phe1464Ser)

Gene: NF1 (neurofibromin 1; plus strand). Cytogenetic location: 17q11.2.
Variant type: single nucleotide variant.
Coding change: c.4391T>C on transcript NM_001042492.3 (MANE Select); coding-DNA position 4391, T replaced by C.
Protein change: p.Phe1464Ser; replaces phenylalanine 1464 with serine.
Molecular consequence: missense variant.
Genome position (GRCh38, 1-based): chr17:31,259,090, T>C. VCF-style: chr17-31259090-T-C. GRCh37 (hg19) VCF-style: chr17-29586108-T-C.
Other names: c.4328T>C, p.Phe1443Ser (NM_000267.4); short protein forms F1464S, F1443S.
Identifiers: ClinVar variation 2150238 (VCV002150238.4), dbSNP rs2151463114, ClinGen allele CA398998879.
Genomic context (GRCh38, chr17:31,259,090, plus strand): 5'-AGATACTTCAGAGTATTGCCAATCATGTTCTCTTCACAAAAGAAGAACATATGCGGCCTT[T>C]CAATGATTTTGTGAAAAGCAACTTTGATGCAGCACGCAGGTAATTTTCTTGCCACTTACT-3'
Protein context (NP_001035957.1, residues 1454-1474): LFTKEEHMRP[Phe1464Ser]NDFVKSNFDA

ClinVar aggregate classification (germline): Uncertain significance (1 of 4 stars; one submission).

Conditions:
Neurofibromatosis, type 1 (NF1). Also called: Neurofibromatosis, type I; VON RECKLINGHAUSEN DISEASE; Peripheral type neurofibromatosis; NEUROFIBROMATOSIS, TYPE I, SOMATIC. Identifiers: Orphanet 636, MedGen C0027831, MONDO:0018975, OMIM 162200. Disease mechanism: loss of function.

Submission:

Labcorp Genetics (formerly Invitae), Labcorp
Classification: Uncertain significance for Neurofibromatosis, type 1. Last evaluated: 2025-05-18. Review status: criteria provided, single submitter. Criteria: Invitae Variant Classification Sherloc (09022015). Collection method: clinical testing. Allele origin: germline.
Comment: This sequence change replaces phenylalanine, which is neutral and non-polar, with serine, which is neutral and polar, at codon 1443 of the NF1 protein (p.Phe1443Ser). This variant is not present in population databases (gnomAD no frequency). This variant has not been reported in the literature in individuals affected with NF1-related conditions. ClinVar contains an entry for this variant (Variation ID: 2150238). Invitae Evidence Modeling of protein sequence and biophysical properties (such as structural, functional, and spatial information, amino acid conservation, physicochemical variation, residue mobility, and thermodynamic stability) indicates that this missense variant is expected to disrupt NF1 protein function with a positive predictive value of 95%. In summary, the available evidence is currently insufficient to determine the role of this variant in disease. Therefore, it has been classified as a Variant of Uncertain Significance.